The following is an entry in ClinVar:

NM_006343.3(MERTK):c.1961-4dup

Gene: MERTK (MER proto-oncogene, tyrosine kinase; plus strand). Cytogenetic location: 2q13.
Variant type: Duplication.
Coding change: c.1961-4dup on transcript NM_006343.3 (MANE Select); 4 bases into the intron before coding-DNA position 1961, one base duplicated (T; older notation c.1961-4dupT).
Molecular consequence: intron variant.
Genome position (GRCh38, 1-based): chr2:112,009,944, T duplicated; the last of 3 consecutive T bases (chr2:112,009,942-112,009,944); duplicating any one gives the same sequence. VCF-style (leftmost placement, unchanged base first): chr2-112009941-A-AT. GRCh37 (hg19) VCF-style: chr2-112767518-A-AT.
Other names: c.1961-4dupT (NM_006343.2).
Identifiers: ClinVar variation 498305 (VCV000498305.14), dbSNP rs772574056, ClinGen allele CA1831636.

ClinVar aggregate classification (germline): Conflicting classifications of pathogenicity. Review status: criteria provided, conflicting classifications (1 of 4 stars). 4 submissions from 4 submitters: Uncertain significance (1); Likely benign (2). 1 of the submissions does not count toward it. Last evaluated 2025-11-12.

Conditions:
MERTK-related disorder. Also called: MERTK-related condition.

Submissions (4):

Labcorp Genetics (formerly Invitae), Labcorp
Classification: Likely benign. Last evaluated: 2025-11-12. Review status: criteria provided, single submitter. Criteria: Invitae Variant Classification Sherloc (09022015). Collection method: clinical testing. Allele origin: germline.

Blueprint Genetics
Classification: Likely benign. Last evaluated: 2024-11-15. Review status: criteria provided, single submitter. Criteria: ACMG Guidelines, 2015. Collection method: clinical testing. Allele origin: germline.

Eurofins Ntd Llc (ga)
Classification: Uncertain significance. Last evaluated: 2016-11-21. Review status: criteria provided, single submitter. Criteria: EGL Classification Definitions 2015. Collection method: clinical testing. Allele origin: germline. Observed: 1 variant allele, 1 heterozygote.

PreventionGenetics, part of Exact Sciences
Classification: Likely benign for MERTK-related condition. Last evaluated: 2024-09-05. Review status: no assertion criteria provided. Collection method: clinical testing. Allele origin: germline. Not counted in ClinVar's aggregate classification.
Comment: This variant is classified as likely benign based on ACMG/AMP sequence variant interpretation guidelines (Richards et al. 2015 PMID: 25741868, with internal and published modifications).